The following is an entry in ClinVar:

ClinVar aggregate classification (germline): Conflicting classifications of pathogenicity. Review status: criteria provided, conflicting classifications (1 of 4 stars). 2 submissions from 2 submitters: Uncertain significance (1); Likely benign (1). Last evaluated 2023-03-23.

Conditions:
Hereditary cancer-predisposing syndrome. Also called: Neoplastic Syndromes, Hereditary; Hereditary Cancer Syndrome; Tumor predisposition; Hereditary neoplastic syndrome. Identifiers: Orphanet 140162, MedGen C0027672, MeSH D009386, MONDO:0015356.

Submissions (2):

University of Washington Department of Laboratory Medicine, University of Washington
Classification: Likely benign for Hereditary cancer-predisposing syndrome. Last evaluated: 2023-03-23. Review status: criteria provided, single submitter. Criteria: Dines et al. (Genet Med. 2020). Collection method: curation. Allele origin: germline.
Comment: Missense variant in a coldspot region where missense variants are very unlikely to be pathogenic (PMID:31911673).

BRCA2 exon 10 coldspot. Reclassification based on statistical prior probability.

Color Diagnostics, LLC DBA Color Health
Classification: Uncertain significance for Hereditary cancer-predisposing syndrome. Last evaluated: 2019-12-03. Review status: criteria provided, single submitter. Criteria: ACMG Guidelines, 2015. Collection method: clinical testing. Allele origin: germline.
Comment: This missense variant replaces asparagine with histidine at codon 623 of the BRCA2 protein. Computational prediction suggests that this variant may not impact protein structure and function (internally defined REVEL score threshold <= 0.5, PMID: 27666373). Splice site prediction tools suggest that this variant may not impact RNA splicing. To our knowledge, functional studies have not been performed for this variant. This variant has not been reported in individuals affected with hereditary cancer in the literature. This variant has not been identified in the general population by the Genome Aggregation Database (gnomAD). The available evidence is insufficient to determine the role of this variant in disease conclusively. Therefore, this variant is classified as a Variant of Uncertain Significance.

NM_000059.4(BRCA2):c.1867A>C (p.Asn623His)

Gene: BRCA2 (BRCA2 DNA repair associated; plus strand). Cytogenetic location: 13q13.1.
Variant type: single nucleotide variant.
Coding change: c.1867A>C on transcript NM_000059.4 (MANE Select); coding-DNA position 1867, A replaced by C.
Protein change: p.Asn623His; replaces asparagine 623 with histidine.
Molecular consequence: missense variant.
Genome position (GRCh38, 1-based): chr13:32,333,345, A>C. VCF-style: chr13-32333345-A-C. GRCh37 (hg19) VCF-style: chr13-32907482-A-C.
Other names: short protein forms N623H.
Identifiers: ClinVar variation 928444 (VCV000928444.5), dbSNP rs1060502388, ClinGen allele CA387766526.